The following is an entry in ClinVar:

NM_032383.5(HPS3):c.660A>T (p.Arg220Ser)

Gene: HPS3 (HPS3 biogenesis of lysosomal organelles complex 2 subunit 1; plus strand). Cytogenetic location: 3q24.
Variant type: single nucleotide variant.
Coding change: c.660A>T on transcript NM_032383.5 (MANE Select); coding-DNA position 660, A replaced by T.
Protein change: p.Arg220Ser; replaces arginine 220 with serine.
Molecular consequence: missense variant. On other transcripts: intron variant (1).
Genome position (GRCh38, 1-based): chr3:149,140,446, A>T. VCF-style: chr3-149140446-A-T. GRCh37 (hg19) VCF-style: chr3-148858233-A-T.
Other names: c.218-571A>T (NM_001308258.2); short protein forms R220S.
Identifiers: ClinVar variation 2165398 (VCV002165398.1), dbSNP rs760546363, ClinGen allele CA2659847.
Genomic context (GRCh38, chr3:149,140,446, plus strand): 5'-CATGTCAGACTTAGAAGTCTTAATCGTAAAACTGGAGTCAGGCCCTAAAAATGGAGAGAG[A>T]GTTCACCACCATCCACATAAGACCAACAATCGAATAAGACGGACAGAAGAAGGTAAATAA-3'
Protein context (NP_115759.2, residues 210-230): KLESGPKNGE[Arg220Ser]VHHHPHKTNN

ClinVar aggregate classification (germline): Uncertain significance (1 of 4 stars; one submission).

Allele frequency attached by ClinVar (database versions not stated): gnomAD 0.00001.
gnomAD v4.1: 44 of 1,612,950 alleles (0.0027%); highest among the groups gnomAD compares: Non-Finnish European, 0.0035%; no homozygotes.

Submission:

Labcorp Genetics (formerly Invitae), Labcorp
Classification: Uncertain significance. Last evaluated: 2022-08-16. Review status: criteria provided, single submitter. Criteria: Invitae Variant Classification Sherloc (09022015). Collection method: clinical testing. Allele origin: germline.
Comment: This sequence change replaces arginine, which is basic and polar, with serine, which is neutral and polar, at codon 220 of the HPS3 protein (p.Arg220Ser). This variant is present in population databases (rs760546363, gnomAD 0.002%). This variant has not been reported in the literature in individuals affected with HPS3-related conditions. Algorithms developed to predict the effect of missense changes on protein structure and function output the following: SIFT: "Tolerated"; PolyPhen-2: "Benign"; Align-GVGD: "Class C0". The serine amino acid residue is found in multiple mammalian species, which suggests that this missense change does not adversely affect protein function. In summary, the available evidence is currently insufficient to determine the role of this variant in disease. Therefore, it has been classified as a Variant of Uncertain Significance.